The following is an entry in ClinVar:

ClinVar aggregate classification (germline): Uncertain significance (1 of 4 stars; one submission).

gnomAD v4.1: 3 of 1,208,401 alleles (0.00025%); highest among the groups gnomAD compares: East Asian, 0.0059%; no homozygotes.

Submission:

GeneDx
Classification: Uncertain significance. Last evaluated: 2024-07-01. Review status: criteria provided, single submitter. Criteria: GeneDx Variant Classification Process June 2021. Collection method: clinical testing. Allele origin: germline. Affected: yes.
Comment: Not observed at significant frequency in large population cohorts (gnomAD); In silico analysis supports that this missense variant does not alter protein structure/function; Has not been previously published as pathogenic or benign to our knowledge

NM_001081550.2(THOC2):c.2398A>G (p.Ile800Val)

Gene: THOC2 (THO complex subunit 2; minus strand). Cytogenetic location: Xq25.
Variant type: single nucleotide variant.
Coding change: c.2398A>G on transcript NM_001081550.2 (MANE Select); coding-DNA position 2398, A replaced by G.
Protein change: p.Ile800Val; replaces isoleucine 800 with valine.
Molecular consequence: missense variant.
Genome position (GRCh38, 1-based): chrX:123,631,771, T>C on the plus strand (A>G on the coding strand, the complement: THOC2 is on the minus strand). VCF-style: chrX-123631771-T-C. GRCh37 (hg19) VCF-style: chrX-122765622-T-C.
Other names: short protein forms I800V.
Identifiers: ClinVar variation 1710793 (VCV001710793.3), dbSNP rs2521162548, ClinGen allele CA414267494.